The following is an entry in ClinVar:

NM_000350.3(ABCA4):c.1937+1G>A

Gene: ABCA4 (ATP binding cassette subfamily A member 4; minus strand). Cytogenetic location: 1p22.1.
Variant type: single nucleotide variant.
Coding change: c.1937+1G>A on transcript NM_000350.3 (MANE Select); the canonical splice donor site of the intron after coding-DNA position 1937, G replaced by A.
Molecular consequence: splice donor variant.
Genome position (GRCh38, 1-based): chr1:94,062,576, C>T on the plus strand (G>A on the coding strand, the complement: ABCA4 is on the minus strand). VCF-style: chr1-94062576-C-T. GRCh37 (hg19) VCF-style: chr1-94528132-C-T.
Identifiers: ClinVar variation 99104 (VCV000099104.64), dbSNP rs61752401, ClinGen allele CA226961.

ClinVar aggregate classification (germline): Pathogenic. Review status: reviewed by expert panel (3 of 4 stars). 17 submissions from 16 submitters: Pathogenic (1). 16 of the submissions do not count toward it. Last evaluated 2025-12-05.

Conditions:
ABCA4-related retinopathy. Also called: ABCA4-related retinoapthy; ABCA4 retinoapthy. Identifiers: MedGen CN322612, MONDO:0800406.
ABCA4-related disorder. Also called: ABCA4-related disorders; ABCA4-related condition. Identifiers: MedGen CN239167.
Cone dystrophy and rod monochromatism.
Age related macular degeneration 2. Also called: MACULAR DEGENERATION, SENILE; MACULOPATHY, AGE-RELATED, 2; MACULOPATHY, AGE-RELATED. Identifiers: MedGen C3495438, MONDO:0007932, OMIM 153800.
Severe early-childhood-onset retinal dystrophy (STGD1). Also called: MACULAR DYSTROPHY WITH FLECKS, TYPE 1; STGD; Stargardt macular dystrophy; Juvenile onset macular degeneration; Stargardt disease 1. Identifiers: Orphanet 364055, Orphanet 827, MedGen C1855465, MeSH D000080362, MONDO:0009549, OMIM 248200.
Retinitis pigmentosa 19 (RP19). Also called: ABCA4-Related Retinitis Pigmentosa. Identifiers: Orphanet 791, MedGen C1866422, MONDO:0011137, OMIM 601718.
Cone-rod dystrophy 3 (CORD3). Identifiers: Orphanet 1872, MedGen C1858806, MONDO:0011395, OMIM 604116.
Retinal dystrophy. Also called: Inherited retinal dystrophy. Identifiers: Orphanet 71862, MedGen C0854723, MeSH D058499, MONDO:0019118, HP:0000556.
Stargardt disease 3. Also called: MACULAR DYSTROPHY WITH FLECKS, TYPE 3; STARGARDT-LIKE MACULAR DYSTROPHY, AUTOSOMAL DOMINANT. Identifiers: Orphanet 827, MedGen C1838644, MONDO:0010819, OMIM 600110.

Allele frequency attached by ClinVar (database versions not stated): ExAC 0.00001; gnomAD exomes 0.00001; TOPMed 0.00002; gnomAD 0.00003.
gnomAD v4.1: 10 of 1,609,902 alleles (0.00062%); highest among the groups gnomAD compares: Non-Finnish European, 0.00076%; no homozygotes.

Submissions (17):

ClinGen ABCA4 Variant Curation Expert Panel, Clingen
Classification: Pathogenic for ABCA4-related retinopathy. Last evaluated: 2025-12-05. Review status: reviewed by expert panel. Criteria: ClinGen ABCA4 ACMG Specifications V1.0.0. Collection method: curation. Allele origin: germline. Inheritance: Autosomal recessive inheritance.
Comment: The NM_000350.3:c.1937+1G>A variant in ABCA4 occurs at a canonical splice site in intron 13 and is expected to disrupt splicing and trigger an exon-skipping event introducing a premature stop codon that is predicted to lead to nonsense-mediated decay (PVS1). The total minor allele frequency in gnomAD v4.1.0 is 0.000006212 (10/1609902 alleles), which is lower than the ClinGen ABCA4 VCEP’s threshold for PM2_Supporting (<0.0001). The prevalence of the variant in affected individuals is significantly increased compared with the prevalence in controls with an OR of 323.9 and the CI is 53.05-12025.64, which is above the ABCA4 VCEP threshold of ≥5, where the CI does not contain 1 (PS4; PMID: 35120629). In summary, this variant meets the criteria to be classified as pathogenic for ABCA4-related retinopathy based on the ACMG/AMP criteria applied, as specified by the ClinGen ABCA4 VCEP (Specification Version 1.0): PVS1, PS4, PM2_Supporting.

GeneDx
Classification: Pathogenic. Last evaluated: 2026-08-07. Review status: criteria provided, single submitter. Criteria: GeneDx Variant Classification Process June 2021. Collection method: clinical testing. Allele origin: germline. Not counted in ClinVar's aggregate classification.
Comment: Canonical splice site variant predicted to result in an in-frame loss of the adjacent exon in a gene for which loss of function is a known mechanism of disease; Not observed at significant frequency in large population cohorts (gnomAD); This variant is associated with the following publications: (PMID: 25525159, 26720470, 12192456, 39843441, 37644014, 37734845, 33261146, 32531858, 34758253, 10958763, 23882696, 23953153, 17982420, 29555955, 28118664, 29925512, 32141364, 33988224, 32307445, 31964843, 34321860, 36460718, 35120629, 35260635, 35076026, 24585425, 39162841, 38219857, 38927562)

Dasa
Classification: Pathogenic for ABCA4-related retinopathy. Last evaluated: 2026-01-09. Review status: criteria provided, single submitter. Criteria: DASA Assertion Criteria. Collection method: clinical testing. Allele origin: germline. Not counted in ClinVar's aggregate classification.
Comment: NM_000350.3(ABCA4):c.1937+1G>A affects a canonical splice site and is predicted to disrupt normal RNA splicing. Loss of function is an established disease mechanism for ABCA4-associated disorders. This variant has been reported in individuals with ABCA4-related disorders (PMID: 10958763). Also, this variant is rare in population databases. Based on the currently available evidence, this variant is classified as pathogenic.

Labcorp Genetics (formerly Invitae), Labcorp
Classification: Pathogenic. Last evaluated: 2025-11-17. Review status: criteria provided, single submitter. Criteria: Invitae Variant Classification Sherloc (09022015). Collection method: clinical testing. Allele origin: germline. Not counted in ClinVar's aggregate classification.
Comment: This sequence change affects a donor splice site in intron 13 of the ABCA4 gene. RNA analysis indicates that disruption of this splice site induces altered splicing and may result in an absent or altered protein product. This variant is present in population databases (rs61752401, gnomAD 0.004%). Disruption of this splice site has been observed in individuals with Stargardt disease (PMID: 10958763, 24585425, 28118664). It has also been observed to segregate with disease in related individuals. This variant is also known as IVS13+1G>A. ClinVar contains an entry for this variant (Variation ID: 99104). Studies have shown that disruption of this splice site results in activation of a cryptic splice site, and produces a non-functional protein and/or introduces a premature termination codon (PMID: 28118664). For these reasons, this variant has been classified as Pathogenic.

Lab De Baere, Eye and Developmental Genetics Lab, Ghent University
Classification: Pathogenic for Cone dystrophy and rod monochromatism. Last evaluated: 2024-10-01. Review status: criteria provided, single submitter. Criteria: ACMG Guidelines, 2015. Collection method: research. Allele origin: inherited. Affected: yes. Observed: 1 variant allele. Not counted in ClinVar's aggregate classification.
Comment: ACMG/AMP guidelines: PM2, PVS1, PP1, PM3_PP

Genomic Medicine Center of Excellence, King Faisal Specialist Hospital and Research Centre
Classification: Pathogenic for Severe early-childhood-onset retinal dystrophy. Last evaluated: 2024-04-04. Review status: criteria provided, single submitter. Criteria: ACMG Guidelines, 2015. Collection method: clinical testing. Allele origin: germline. Not counted in ClinVar's aggregate classification.

Blueprint Genetics
Classification: Pathogenic for ABCA4-related disorders. Last evaluated: 2023-09-04. Review status: criteria provided, single submitter. Criteria: ACMG Guidelines, 2015. Collection method: clinical testing. Allele origin: germline. Affected: yes. Observed: 5 variant alleles. Not counted in ClinVar's aggregate classification.

3billion
Classification: Pathogenic for Retinitis pigmentosa 19. Last evaluated: 2022-01-03. Review status: criteria provided, single submitter. Criteria: ACMG Guidelines, 2015. Collection method: clinical testing. Allele origin: germline. Affected: yes. Observed: 1 heterozygote. Not counted in ClinVar's aggregate classification.
Comment: Canonical splice site: predicted to alter splicing and result in a loss or disruption of normal protein function through protein truncation. Multiple pathogenic variants are reported in the predicted truncated region (PVS1_VS). It is observed at an extremely low frequency in the gnomAD v2.1.1 dataset (total allele frequency: 0.000032, PM2_M). The variant has been reported at least twice as pathogenic/likely pathogenic with clinical assertions and evidence for the classification (ClinVar ID: VCV000099104, 3billion dataset). Therefore, this variant is classified as pathogenic according to the recommendation of ACMG/AMP guideline.

Institute of Human Genetics, Univ. Regensburg, Univ. Regensburg
Classification: Pathogenic for Retinal dystrophy. Last evaluated: 2022-01-01. Review status: criteria provided, single submitter. Criteria: ACMG Guidelines, 2015. Collection method: clinical testing. Allele origin: germline. Affected: yes. Not counted in ClinVar's aggregate classification.

Centre of Medical Genetics, University Hospital Muenster
Classification: Pathogenic. Last evaluated: 2021-12-16. Review status: criteria provided, single submitter. Criteria: ACMG Guidelines, 2015. Collection method: clinical testing. Allele origin: unknown. Affected: yes. Observed: 1 variant allele, 1 heterozygote. Not counted in ClinVar's aggregate classification.
Comment: ACMG categories: PVS1,PM2,PM3,PP5

Institute for Clinical Genetics, University Hospital TU Dresden, University Hospital TU Dresden
Classification: Pathogenic. Last evaluated: 2021-11-03. Review status: criteria provided, single submitter. Criteria: ACMG Guidelines, 2015. Collection method: clinical testing. Allele origin: germline. Not counted in ClinVar's aggregate classification.

CeGaT Center for Human Genetics Tuebingen
Classification: Pathogenic. Last evaluated: 2019-02-01. Review status: criteria provided, single submitter. Criteria: CeGaT Center For Human Genetics Tuebingen Variant Classification Criteria Version 2. Collection method: clinical testing. Allele origin: germline. Affected: yes. Observed: 4 variant alleles. Not counted in ClinVar's aggregate classification.

Institute of Human Genetics, Univ. Regensburg, Univ. Regensburg
Classification: Pathogenic for Severe early-childhood-onset retinal dystrophy. Last evaluated: 2016-01-01. Review status: criteria provided, single submitter. Criteria: Schulz et al. (Invest Ophthalmol Vis Sci. 2017). Collection method: clinical testing, in vitro. Allele origin: germline, unknown. Affected: yes. Observed: 2 heterozygotes. Functional consequence: sequence_variant_affecting_splicing. Not counted in ClinVar's aggregate classification.

Genomics England Pilot Project, Genomics England
Classification: Pathogenic for Retinitis pigmentosa 19. Review status: criteria provided, single submitter. Criteria: ACGS Guidelines, 2016. Collection method: clinical testing. Allele origin: germline. Affected: yes. Not counted in ClinVar's aggregate classification.

Juno Genomics, Hangzhou Juno Genomics, Inc
Classification: Likely pathogenic for Retinitis pigmentosa 19; Severe early-childhood-onset retinal dystrophy; Age related macular degeneration 2; Cone-rod dystrophy 3. Review status: criteria provided, single submitter. Criteria: ACMG Guidelines, 2015. Collection method: clinical testing. Allele origin: germline. Not counted in ClinVar's aggregate classification.
Comment: Absent from controls (or at extremely low frequency if recessive) in Genome Aggregation Database.;Null variant in a gene where loss of function (LOF) is a known mechanism of disease.;The prevalence of the variant in affected individuals is significantly increased compared to the prevalence in controls.

Ophthalmo-Genetics Lab, Instituto de Oftalmologia Conde de Valenciana
Classification: Pathogenic for Stargardt disease 3. Review status: no assertion criteria provided. Collection method: research. Allele origin: germline. Inheritance: Autosomal recessive inheritance. Affected: yes. Not counted in ClinVar's aggregate classification.

Retina International
No classification provided. Review status: no classification provided. Collection method: not provided. Allele origin: not provided. Not counted in ClinVar's aggregate classification.

Literature cited by the submitters: PubMed 35120629 (cited by Dasa); PubMed 10958763 (cited by 3 submitters); PubMed 24585425 (cited by 3 submitters); PubMed 28118664 (cited by Labcorp Genetics (formerly Invitae), Labcorp and Institute of Human Genetics, Univ. Regensburg, Univ. Regensburg); PubMed 25525159 (cited by Institute of Human Genetics, Univ. Regensburg, Univ. Regensburg); PubMed 29555955 (cited by Institute of Human Genetics, Univ. Regensburg, Univ. Regensburg); PubMed 29925512 (cited by Institute of Human Genetics, Univ. Regensburg, Univ. Regensburg); PubMed 31964843 (cited by Institute of Human Genetics, Univ. Regensburg, Univ. Regensburg); PubMed 32307445 (cited by Institute of Human Genetics, Univ. Regensburg, Univ. Regensburg); PubMed 33261146 (cited by Institute of Human Genetics, Univ. Regensburg, Univ. Regensburg); PubMed 32531858 (cited by Institute of Human Genetics, Univ. Regensburg, Univ. Regensburg); PubMed 32141364 (cited by Institute of Human Genetics, Univ. Regensburg, Univ. Regensburg); PubMed 33988224 (cited by Institute of Human Genetics, Univ. Regensburg, Univ. Regensburg); PubMed 34758253 (cited by Institute of Human Genetics, Univ. Regensburg, Univ. Regensburg); PubMed 35260635 (cited by Institute of Human Genetics, Univ. Regensburg, Univ. Regensburg); PubMed 36460718 (cited by Institute of Human Genetics, Univ. Regensburg, Univ. Regensburg); PubMed 35076026 (cited by Institute of Human Genetics, Univ. Regensburg, Univ. Regensburg).